The following is an entry in ClinVar:

NM_006306.4(SMC1A):c.2196+5G>T

Gene: SMC1A (structural maintenance of chromosomes 1A; minus strand). Cytogenetic location: Xp11.22.
Variant type: single nucleotide variant.
Coding change: c.2196+5G>T on transcript NM_006306.4 (MANE Select); 5 bases into the intron after coding-DNA position 2196, G replaced by T.
Molecular consequence: intron variant.
Genome position (GRCh38, 1-based): chrX:53,405,007, C>A on the plus strand (G>T on the coding strand, the complement: SMC1A is on the minus strand). VCF-style: chrX-53405007-C-A. GRCh37 (hg19) VCF-style: chrX-53431939-C-A.
Other names: c.2130+5G>T (NM_001281463.1).
Identifiers: ClinVar variation 4727391 (VCV004727391.1).

ClinVar aggregate classification (germline): Uncertain significance (1 of 4 stars; one submission).

Conditions:
Congenital muscular hypertrophy-cerebral syndrome (CDLS2). Also called: SMC1A-Related Cornelia de Lange Syndrome; Cornelia de Lange syndrome 2. Identifiers: Orphanet 199, MedGen C1802395, MONDO:0010370, OMIM 300590.

Submission:

Labcorp Genetics (formerly Invitae), Labcorp
Classification: Uncertain significance for Congenital muscular hypertrophy-cerebral syndrome. Last evaluated: 2025-09-17. Review status: criteria provided, single submitter. Criteria: Invitae Variant Classification Sherloc (09022015). Collection method: clinical testing. Allele origin: germline.
Comment: This sequence change falls in intron 13 of the SMC1A gene. It does not directly change the encoded amino acid sequence of the SMC1A protein. It affects a nucleotide within the consensus splice site. This variant is not present in population databases (gnomAD no frequency). This variant has not been reported in the literature in individuals affected with SMC1A-related conditions. Variants that disrupt the consensus splice site are a relatively common cause of aberrant splicing (PMID: 17576681, 9536098). Algorithms developed to predict the effect of sequence changes on RNA splicing suggest that this variant may disrupt the consensus splice site. In summary, the available evidence is currently insufficient to determine the role of this variant in disease. Therefore, it has been classified as a Variant of Uncertain Significance.

Literature cited by the submitters: PubMed 17576681; PubMed 9536098.